The following is an entry in ClinVar:

NM_032387.5(WNK4):c.1864-11T>C

Gene: WNK4 (WNK lysine deficient protein kinase 4; plus strand). Cytogenetic location: 17q21.2.
Variant type: single nucleotide variant.
Coding change: c.1864-11T>C on transcript NM_032387.5 (MANE Select); 11 bases into the intron before coding-DNA position 1864, T replaced by C.
Molecular consequence: intron variant.
Genome position (GRCh38, 1-based): chr17:42,788,119, T>C. VCF-style: chr17-42788119-T-C. GRCh37 (hg19) VCF-style: chr17-40940137-T-C.
Other names: c.856-11T>C (NM_001321299.2).
Identifiers: ClinVar variation 323331 (VCV000323331.10), dbSNP rs61755599, ClinGen allele CA8584140.
Genomic context (GRCh38, chr17:42,788,119, plus strand): 5'-TCCTTGACACCATCTCCCTAGATCTCAACAGTTATCTTCCCCTGACCTCATGAACCCTTA[T>C]CCTGTTTCAGGCTTTTGCCCTATCCATTCCACGTTCTGGCCCTGGAAGTGACTTTTCCCC-3'

ClinVar aggregate classification (germline): Benign/Likely benign. Review status: criteria provided, multiple submitters, no conflicts (2 of 4 stars). 4 submissions from 4 submitters: Benign (2); Likely benign (2). Last evaluated 2025-12-26.

Conditions:
Pseudohypoaldosteronism type 2B (PHA2B). Also called: Pseudohypoaldosteronism Type IIB. Identifiers: Orphanet 757, Orphanet 88939, MedGen C1840390, MONDO:0013777, OMIM 614491.

Allele frequency attached by ClinVar (database versions not stated): 1000 Genomes Project 30x 0.00016; 1000 Genomes Project 0.00020; gnomAD 0.00039 and 0.00041; TOPMed 0.00042; gnomAD exomes 0.00060 and 0.00078; ExAC 0.00080; ESP Exome Variant Server 0.00115.
gnomAD v4.1: 1,204 of 1,614,172 alleles (0.075%); highest among the groups gnomAD compares: Non-Finnish European, 0.095%; 1 homozygote.

Submissions (4):

Women's Health and Genetics/Laboratory Corporation of America, LabCorp
Classification: Likely benign. Last evaluated: 2025-12-26. Review status: criteria provided, single submitter. Criteria: LabCorp Variant Classification Summary - May 2015. Collection method: clinical testing. Allele origin: germline.

Labcorp Genetics (formerly Invitae), Labcorp
Classification: Benign. Last evaluated: 2025-02-13. Review status: criteria provided, single submitter. Criteria: Invitae Variant Classification Sherloc (09022015). Collection method: clinical testing. Allele origin: germline.

Fulgent Genetics
Classification: Likely benign for Pseudohypoaldosteronism type 2B. Last evaluated: 2021-12-29. Review status: criteria provided, single submitter. Criteria: ACMG Guidelines, 2015. Collection method: clinical testing. Allele origin: unknown.

Illumina Laboratory Services, Illumina
Classification: Benign for Pseudohypoaldosteronism type 2B. Last evaluated: 2018-01-13. Review status: criteria provided, single submitter. Criteria: ICSL Variant Classification Criteria 13 December 2019. Collection method: clinical testing. Allele origin: germline.
Comment: This variant was observed in the ICSL laboratory as part of a predisposition screen in an ostensibly healthy population. It had not been previously curated by ICSL or reported in the Human Gene Mutation Database (HGMD: prior to June 1st, 2018), and was therefore a candidate for classification through an automated scoring system. Utilizing variant allele frequency, disease prevalence and penetrance estimates, and inheritance mode, an automated score was calculated to assess if this variant is too frequent to cause the disease. Based on the score and internal cut-off values, a variant classified as benign is not then subjected to further curation. The score for this variant resulted in a classification of benign for this disease.